The following is an entry in ClinVar:

NM_001365536.1(SCN9A):c.5891C>T (p.Pro1964Leu)

Genes: SCN1A-AS1 (SCN1A and SCN9A antisense RNA 1; plus strand), SCN9A (sodium voltage-gated channel alpha subunit 9; minus strand). Cytogenetic location: 2q24.3.
Variant type: single nucleotide variant.
Coding change: c.5891C>T on transcript NM_001365536.1 (MANE Select); coding-DNA position 5891, C replaced by T.
Protein change: p.Pro1964Leu; replaces proline 1964 with leucine.
Molecular consequence: missense variant.
Genome position (GRCh38, 1-based): chr2:166,198,748, G>A on the plus strand (C>T on the coding strand, the complement: SCN9A is on the minus strand). VCF-style: chr2-166198748-G-A. GRCh37 (hg19) VCF-style: chr2-167055258-G-A.
Other names: c.5858C>T, p.Pro1953Leu (NM_002977.4); short protein forms P1953L, P1964L.
Identifiers: ClinVar variation 2130539 (VCV002130539.4), dbSNP rs2468873633, ClinGen allele CA349051193.
Genomic context (GRCh38, chr2:166,198,748, plus strand): 5'-TTGCTGTCTTTCCCTTTGTCTTCCTTTTCTGTTCTGTCTTGTTCATATTTCTCTTTGTCT[G>A]GCTTTGTTACACTATCATATGAAGGTGGAGAGGTGGTGGATGAAGTGGCATCTGTTTTTT-3'
Protein context (NP_001352465.1, residues 1954-1974): SPPSYDSVTK[Pro1964Leu]DKEKYEQDRT

ClinVar aggregate classification (germline): Uncertain significance (1 of 4 stars; one submission).

Conditions:
Neuropathy, hereditary sensory and autonomic, type 2A (HSAN2A). Also called: WNK1-Related HSAN2 (HSAN2A); HSAN IIA; ACROOSTEOLYSIS, GIACCAI TYPE; ACROOSTEOLYSIS, NEUROGENIC; MORVAN DISEASE; NEUROPATHY, CONGENITAL SENSORY. Identifiers: Orphanet 970, MedGen C2752089, MONDO:0024309, OMIM 201300.
Generalized epilepsy with febrile seizures plus, type 7 (GEFSP7). Also called: GEFS+, TYPE 7. Identifiers: Orphanet 36387, MedGen C2751778, MONDO:0013470, OMIM 613863.

Allele frequency attached by ClinVar (database versions not stated): gnomAD exomes below 0.00001.
gnomAD v4.1: 6 of 1,613,370 alleles (0.00037%); highest among the groups gnomAD compares: Non-Finnish European, 0.00051%; no homozygotes.

Submission:

Labcorp Genetics (formerly Invitae), Labcorp
Classification: Uncertain significance for Neuropathy, hereditary sensory and autonomic, type 2A; Generalized epilepsy with febrile seizures plus, type 7. Last evaluated: 2022-04-25. Review status: criteria provided, single submitter. Criteria: Invitae Variant Classification Sherloc (09022015). Collection method: clinical testing. Allele origin: germline.
Comment: This sequence change replaces proline, which is neutral and non-polar, with leucine, which is neutral and non-polar, at codon 1953 of the SCN9A protein (p.Pro1953Leu). In summary, the available evidence is currently insufficient to determine the role of this variant in disease. Therefore, it has been classified as a Variant of Uncertain Significance. Algorithms developed to predict the effect of missense changes on protein structure and function are either unavailable or do not agree on the potential impact of this missense change (SIFT: "Tolerated"; PolyPhen-2: "Possibly Damaging"; Align-GVGD: "Class C0"). This variant has not been reported in the literature in individuals affected with SCN9A-related conditions. This variant is not present in population databases (gnomAD no frequency).